The following is an entry in ClinVar:

NM_006493.4(CLN5):c.-47C>G

Gene: CLN5 (CLN5 lysosomal BMP synthase; plus strand). Cytogenetic location: 13q22.3.
Variant type: single nucleotide variant.
Coding change: c.-47C>G on transcript NM_006493.4 (MANE Select); 47 bases upstream of the start codon, C replaced by G.
Genome position (GRCh38, 1-based): chr13:76,992,052, C>G. VCF-style: chr13-76992052-C-G. GRCh37 (hg19) VCF-style: chr13-77566187-C-G.
Identifiers: ClinVar variation 409277 (VCV000409277.11), dbSNP rs937545860, ClinGen allele CA16614076.

ClinVar aggregate classification (germline): Uncertain significance. Review status: criteria provided, multiple submitters, no conflicts (2 of 4 stars). 3 submissions from 3 submitters: Uncertain significance (2). 1 of the submissions does not count toward it. Last evaluated 2025-07-18.

Conditions:
Neuronal ceroid lipofuscinosis. Also called: Neuronal Ceroid Lipofuscinoses. Identifiers: Orphanet 216, Orphanet 79263, MedGen C0027877, MONDO:0016295. Disease mechanism: loss of function.

Allele frequency attached by ClinVar (database versions not stated): TOPMed 0.00006; gnomAD 0.00007 and 0.00008.

Submissions (3):

GeneDx
Classification: Uncertain significance. Last evaluated: 2025-07-18. Review status: criteria provided, single submitter. Criteria: GeneDx Variant Classification Process June 2021. Collection method: clinical testing. Allele origin: germline. Affected: yes.
Comment: Not observed at significant frequency in large population cohorts (gnomAD); In silico analysis suggests that this missense variant does not alter protein structure/function; Has not been previously published as pathogenic or benign to our knowledge

Labcorp Genetics (formerly Invitae), Labcorp
Classification: Uncertain significance for Neuronal ceroid lipofuscinosis. Last evaluated: 2022-07-26. Review status: criteria provided, single submitter. Criteria: Invitae Variant Classification Sherloc (09022015). Collection method: clinical testing. Allele origin: germline.
Comment: This sequence change replaces proline, which is neutral and non-polar, with arginine, which is basic and polar, at codon 34 of the CLN5 protein (p.Pro34Arg). This variant is present in population databases (no rsID available, gnomAD 0.009%). This variant has not been reported in the literature in individuals affected with CLN5-related conditions. ClinVar contains an entry for this variant (Variation ID: 409277). Algorithms developed to predict the effect of missense changes on protein structure and function are either unavailable or do not agree on the potential impact of this missense change (SIFT: "Deleterious"; PolyPhen-2: "Probably Damaging"; Align-GVGD: "Class C0"). In summary, the available evidence is currently insufficient to determine the role of this variant in disease. Therefore, it has been classified as a Variant of Uncertain Significance.

Natera, Inc.
Classification: Uncertain significance for Neuronal ceroid lipofuscinosis. Last evaluated: 2021-06-14. Review status: no assertion criteria provided. Collection method: clinical testing. Allele origin: germline. Not counted in ClinVar's aggregate classification.